The following is an entry in ClinVar:

ClinVar aggregate classification (germline): Pathogenic/Likely pathogenic. Review status: criteria provided, multiple submitters, no conflicts (2 of 4 stars). 3 submissions from 3 submitters: Pathogenic (1); Likely pathogenic (1). 1 of the submissions does not count toward it. Last evaluated 2023-06-16.

Conditions:
PAX9-related disorder. Also called: PAX9-related condition.
Tooth agenesis, selective, 3 (STHAG3). Also called: HYPODONTIA/OLIGODONTIA 3. Identifiers: Orphanet 99798, MedGen C1970291, MONDO:0011477, OMIM 604625. Disease mechanism: loss of function.

Submissions (3):

Blueprint Genetics
Classification: Likely pathogenic for PAX9-related disorders. Last evaluated: 2023-06-16. Review status: criteria provided, single submitter. Criteria: ACMG Guidelines, 2015. Collection method: clinical testing. Allele origin: germline. Affected: yes. Observed: 1 variant allele.

Center of Excellence in Precision Medicine and Digital Health (CEPMDH), Faculty of Dentistry, Chulalongkorn University
Classification: Pathogenic for Tooth agenesis, selective, 3. Review status: criteria provided, single submitter. Criteria: ACMG Guidelines, 2015. Collection method: clinical testing. Allele origin: germline. Inheritance: Autosomal dominant inheritance. Affected: yes. Observed: 2 variant alleles, 2 heterozygotes.
Comment: This variant was absent from population databases, including TOPMed, GenomeAsia, and our in-house database of Thai exomes. This variant was previously reported in non-syndromic tooth agenesis patients (Yu et al. 2022 PMID: 36071541 and Jiang et al. 2023, PMID: 37184613), and classified as pathogenic based on the ACMG Guidelines for variant interpretation and classification.

Department of Second Dental Center, Ninth People’s Hospital, Shanghai Jiao Tong University School of Medicine
Classification: Pathogenic for Tooth agenesis, selective, 3. Review status: no assertion criteria provided. Collection method: clinical testing. Allele origin: germline. Affected: yes. Not counted in ClinVar's aggregate classification.

Literature cited by the submitters: PubMed 36071541 (cited by Department of Second Dental Center, Ninth People’s Hospital, Shanghai Jiao Tong University School of Medicine).

NM_001372076.1(PAX9):c.112C>T (p.Arg38Ter)

Gene: PAX9 (paired box 9; plus strand). Cytogenetic location: 14q13.3.
Variant type: single nucleotide variant.
Coding change: c.112C>T on transcript NM_001372076.1 (MANE Select); coding-DNA position 112, C replaced by T.
Protein change: p.Arg38Ter; replaces arginine 38 with a stop codon.
Molecular consequence: nonsense.
Genome position (GRCh38, 1-based): chr14:36,663,004, C>T. VCF-style: chr14-36663004-C-T. GRCh37 (hg19) VCF-style: chr14-37132209-C-T.
Other names: c.112C>T (NM_006194.3); c.112C>T, p.Arg38Ter (NM_006194.4); short protein forms R38*.
Identifiers: ClinVar variation 2577026 (VCV002577026.3), dbSNP rs763028737, ClinGen allele CA7158916.